The following is an entry in ClinVar:

NM_015559.3(SETBP1):c.3824C>G (p.Ser1275Ter)

Gene: SETBP1 (SET binding protein 1; plus strand). Cytogenetic location: 18q12.3.
Variant type: single nucleotide variant.
Coding change: c.3824C>G on transcript NM_015559.3 (MANE Select); coding-DNA position 3824, C replaced by G.
Protein change: p.Ser1275Ter; replaces serine 1275 with a stop codon.
Molecular consequence: nonsense.
Genome position (GRCh38, 1-based): chr18:44,953,164, C>G. VCF-style: chr18-44953164-C-G. GRCh37 (hg19) VCF-style: chr18-42533129-C-G.
Other names: c.3824C>G, p.Ser1275Ter (NM_001379141.1, NM_001379142.1, NM_001410862.1); short protein forms S1275*.
Identifiers: ClinVar variation 5019794 (VCV005019794.2).

ClinVar aggregate classification (germline): Likely pathogenic (1 of 4 stars; one submission).

Conditions:
Schinzel-Giedion syndrome (SGS). Identifiers: Orphanet 798, MedGen C0265227, MONDO:0010010, OMIM 269150.
Intellectual developmental disorder, autosomal dominant 29. Also called: Intellectual disability, autosomal dominant 29; SETBP1 Haploinsufficiency Disorder. Identifiers: Orphanet 436151, MedGen C4015141, MONDO:0014482, OMIM 616078.

Submission:

Juno Genomics, Hangzhou Juno Genomics, Inc
Classification: Likely pathogenic for Intellectual developmental disorder, autosomal dominant 29; Schinzel-Giedion syndrome. Review status: criteria provided, single submitter. Criteria: ACMG Guidelines, 2015. Collection method: clinical testing. Allele origin: germline.
Comment: Absent from controls (or at extremely low frequency if recessive) in Genome Aggregation Database.;Null variant in a gene where loss of function (LOF) is a known mechanism of disease.